The following is an entry in ClinVar:

NM_004444.5(EPHB4):c.52+1G>C

Genes: EPHB4 (EPH receptor B4; minus strand), SLC12A9 (solute carrier family 12 member 9; plus strand). Cytogenetic location: 7q22.1.
Variant type: single nucleotide variant.
Coding change: c.52+1G>C on transcript NM_004444.5 (MANE Select); the canonical splice donor site of the intron after coding-DNA position 52, G replaced by C.
Molecular consequence: splice donor variant. On other transcripts: 5 prime UTR variant (1).
Genome position (GRCh38, 1-based): chr7:100,826,978, C>G on the plus strand (G>C on the coding strand, the complement: EPHB4 is on the minus strand). VCF-style: chr7-100826978-C-G. GRCh37 (hg19) VCF-style: chr7-100424600-C-G.
Other names: c.-51C>G (NM_001363494.1).
Identifiers: ClinVar variation 3650230 (VCV003650230.2).

ClinVar aggregate classification (germline): Likely pathogenic (1 of 4 stars; one submission).

Submission:

Labcorp Genetics (formerly Invitae), Labcorp
Classification: Likely pathogenic. Last evaluated: 2024-04-17. Review status: criteria provided, single submitter. Criteria: Invitae Variant Classification Sherloc (09022015). Collection method: clinical testing. Allele origin: germline.
Comment: This sequence change affects a donor splice site in intron 1 of the EPHB4 gene. It is expected to disrupt RNA splicing. Variants that disrupt the donor or acceptor splice site typically lead to a loss of protein function (PMID: 16199547), and loss-of-function variants in EPHB4 are known to be pathogenic (PMID: 28687708). This variant is not present in population databases (gnomAD no frequency). This variant has not been reported in the literature in individuals affected with EPHB4-related conditions. Algorithms developed to predict the effect of sequence changes on RNA splicing suggest that this variant may disrupt the consensus splice site. In summary, the currently available evidence indicates that the variant is pathogenic, but additional data are needed to prove that conclusively. Therefore, this variant has been classified as Likely Pathogenic.

Literature cited by the submitters: PubMed 16199547; PubMed 28687708.